The following is an entry in ClinVar:

NM_000051.4(ATM):c.2630G>A (p.Ser877Asn)

Gene: ATM (ATM serine/threonine kinase; plus strand). Cytogenetic location: 11q22.3.
Variant type: single nucleotide variant.
Coding change: c.2630G>A on transcript NM_000051.4 (MANE Select); coding-DNA position 2630, G replaced by A.
Protein change: p.Ser877Asn; replaces serine 877 with asparagine.
Molecular consequence: missense variant.
Genome position (GRCh38, 1-based): chr11:108,267,334, G>A. VCF-style: chr11-108267334-G-A. GRCh37 (hg19) VCF-style: chr11-108138061-G-A.
Other names: c.2630G>A, p.Ser877Asn (NM_001351834.2); short protein forms S877N.
Identifiers: ClinVar variation 4747188 (VCV004747188.1).

ClinVar aggregate classification (germline): Uncertain significance (1 of 4 stars; one submission).

Conditions:
Ataxia-telangiectasia syndrome (AT). Also called: Ataxia-telangiectasia, complementation group D; AT, COMPLEMENTATION GROUP C; Ataxia-telangiectasia; Ataxia telangiectasia (A-T); LOUIS-BAR SYNDROME; Cerebello-oculocutaneous telangiectasia. Identifiers: Orphanet 100, MedGen C0004135, MONDO:0008840, OMIM 208900.

Submission:

Labcorp Genetics (formerly Invitae), Labcorp
Classification: Uncertain significance for Ataxia-telangiectasia syndrome. Last evaluated: 2025-02-07. Review status: criteria provided, single submitter. Criteria: Invitae Variant Classification Sherloc (09022015). Collection method: clinical testing. Allele origin: germline.
Comment: This sequence change replaces serine, which is neutral and polar, with asparagine, which is neutral and polar, at codon 877 of the ATM protein (p.Ser877Asn). This variant is not present in population databases (gnomAD no frequency). This variant has not been reported in the literature in individuals affected with ATM-related conditions. Invitae Evidence Modeling of protein sequence and biophysical properties (such as structural, functional, and spatial information, amino acid conservation, physicochemical variation, residue mobility, and thermodynamic stability) indicates that this missense variant is not expected to disrupt ATM protein function with a negative predictive value of 95%. In summary, the available evidence is currently insufficient to determine the role of this variant in disease. Therefore, it has been classified as a Variant of Uncertain Significance.